The following is an entry in ClinVar:

NM_000179.3(MSH6):c.1315G>A (p.Asp439Asn)

Gene: MSH6 (mutS homolog 6; plus strand). Cytogenetic location: 2p16.3.
Variant type: single nucleotide variant.
Coding change: c.1315G>A on transcript NM_000179.3 (MANE Select); coding-DNA position 1315, G replaced by A.
Protein change: p.Asp439Asn; replaces aspartic acid 439 with asparagine.
Molecular consequence: missense variant.
Genome position (GRCh38, 1-based): chr2:47,799,298, G>A. VCF-style: chr2-47799298-G-A. GRCh37 (hg19) VCF-style: chr2-48026437-G-A.
Other names: c.925G>A, p.Asp309Asn (NM_001281492.2); c.409G>A, p.Asp137Asn (NM_001281493.2, NM_001281494.2, NM_001406811.1 and 6 more transcripts); c.1411G>A, p.Asp471Asn (NM_001406795.1, NM_001406802.1); c.1315G>A, p.Asp439Asn (NM_001406796.1, NM_001406798.1, NM_001406800.1 and 4 more transcripts); c.1018G>A, p.Asp340Asn (NM_001406797.1, NM_001406801.1, NM_001406805.1 and 10 more transcripts); c.790G>A, p.Asp264Asn (NM_001406799.1, NM_001406806.1, NM_001406807.1); c.1237G>A, p.Asp413Asn (NM_001406804.1); c.1321G>A, p.Asp441Asn (NM_001406813.1); and 1 more; short protein forms D264N, D441N, D471N, D309N, D439N, D383N, D137N, D340N.
Identifiers: ClinVar variation 1769787 (VCV001769787.2), dbSNP rs2104335686, ClinGen allele CA346744393.
Genomic context (GRCh38, chr2:47,799,298, plus strand): 5'-CAGAACTTTGATCTTGTCATCTGTTACAAGGTGGGGAAATTTTATGAGCTGTACCACATG[G>A]ATGCTCTTATTGGAGTCAGTGAACTGGGGCTGGTATTCATGAAAGGCAACTGGGCCCATT-3'
Protein context (NP_000170.1, residues 429-449): VGKFYELYHM[Asp439Asn]ALIGVSELGL

ClinVar aggregate classification (germline): Uncertain significance (1 of 4 stars; one submission).

Conditions:
Hereditary cancer-predisposing syndrome. Also called: Hereditary Cancer Syndrome; Hereditary neoplastic syndrome; Neoplastic Syndromes, Hereditary; Tumor predisposition. Identifiers: Orphanet 140162, MedGen C0027672, MeSH D009386, MONDO:0015356.

Allele frequency attached by ClinVar (database versions not stated): gnomAD exomes below 0.00001.
gnomAD v4.1: 1 of 1,613,932 alleles (0.000062%); highest among the groups gnomAD compares: East Asian, 0.0022%; no homozygotes.

Submission:

Ambry Genetics
Classification: Uncertain significance for Hereditary cancer-predisposing syndrome. Last evaluated: 2020-09-30. Review status: criteria provided, single submitter. Criteria: Ambry Variant Classification Scheme 2023. Collection method: clinical testing. Allele origin: germline.
Comment: The p.D439N variant (also known as c.1315G>A), located in coding exon 4 of the MSH6 gene, results from a G to A substitution at nucleotide position 1315. The aspartic acid at codon 439 is replaced by asparagine, an amino acid with highly similar properties. This amino acid position is highly conserved in available vertebrate species. In addition, the in silico prediction for this alteration is inconclusive. Since supporting evidence is limited at this time, the clinical significance of this alteration remains unclear.